The following is an entry in ClinVar:

ClinVar aggregate classification (germline): Pathogenic. Review status: criteria provided, single submitter (1 of 4 stars). 2 submissions from 2 submitters: Pathogenic (1). 1 of the submissions does not count toward it. Last evaluated 2025-06-04.

Conditions:
Autosomal recessive nonsyndromic hearing loss 3. Also called: NEUROSENSORY NONSYNDROMIC RECESSIVE DEAFNESS 3. Identifiers: Orphanet 90636, MedGen C1838263, MONDO:0010860, OMIM 600316.

Submissions (2):

Labcorp Genetics (formerly Invitae), Labcorp
Classification: Pathogenic. Last evaluated: 2025-06-04. Review status: criteria provided, single submitter. Criteria: Invitae Variant Classification Sherloc (09022015). Collection method: clinical testing. Allele origin: germline.
Comment: This sequence change affects a donor splice site in intron 54 of the MYO15A gene. It is expected to disrupt RNA splicing. Variants that disrupt the donor or acceptor splice site typically lead to a loss of protein function (PMID: 16199547), and loss-of-function variants in MYO15A are known to be pathogenic (PMID: 17546645). This variant is not present in population databases (gnomAD no frequency). Disruption of this splice site has been observed in individual(s) with deafness (PMID: 27375115). It has also been observed to segregate with disease in related individuals. ClinVar contains an entry for this variant (Variation ID: 375678). Algorithms developed to predict the effect of sequence changes on RNA splicing suggest that this variant may disrupt the consensus splice site. For these reasons, this variant has been classified as Pathogenic.

National Institute on Deafness and Communication Disorders, National Institutes of Health
Classification: Pathogenic for Autosomal recessive nonsyndromic hearing loss 3. Last evaluated: 2016-03-01. Review status: no assertion criteria provided. Collection method: research. Allele origin: inherited. Affected: yes. Not counted in ClinVar's aggregate classification.

Literature cited by the submitters: PubMed 16199547 (cited by Labcorp Genetics (formerly Invitae), Labcorp); PubMed 17546645 (cited by Labcorp Genetics (formerly Invitae), Labcorp); PubMed 27375115 (cited by Labcorp Genetics (formerly Invitae), Labcorp).

NM_016239.4(MYO15A):c.9229+2T>C

Gene: MYO15A (myosin XVA; plus strand). Cytogenetic location: 17p11.2.
Variant type: single nucleotide variant.
Coding change: c.9229+2T>C on transcript NM_016239.4 (MANE Select); the canonical splice donor site of the intron after coding-DNA position 9229, T replaced by C.
Molecular consequence: splice donor variant.
Genome position (GRCh38, 1-based): chr17:18,159,349, T>C. VCF-style: chr17-18159349-T-C. GRCh37 (hg19) VCF-style: chr17-18062663-T-C.
Identifiers: ClinVar variation 375678 (VCV000375678.4), dbSNP rs1057519606, ClinGen allele CA16044424.